The following is an entry in ClinVar:

NM_001385012.1(NBEA):c.6389T>C (p.Leu2130Pro)

Gene: NBEA (neurobeachin; plus strand). Cytogenetic location: 13q13.3.
Variant type: single nucleotide variant.
Coding change: c.6389T>C on transcript NM_001385012.1 (MANE Select); coding-DNA position 6389, T replaced by C.
Protein change: p.Leu2130Pro; replaces leucine 2130 with proline.
Molecular consequence: missense variant.
Genome position (GRCh38, 1-based): chr13:35,452,176, T>C. VCF-style: chr13-35452176-T-C. GRCh37 (hg19) VCF-style: chr13-36026313-T-C.
Other names: c.6380T>C, p.Leu2127Pro (NM_001379245.1); c.6389T>C, p.Leu2130Pro (NM_015678.5); short protein forms L2127P, L2130P.
Identifiers: ClinVar variation 3362173 (VCV003362173.1).

ClinVar aggregate classification (germline): Uncertain significance (1 of 4 stars; one submission).

Submission:

GeneDx
Classification: Uncertain significance. Last evaluated: 2023-05-30. Review status: criteria provided, single submitter. Criteria: GeneDx Variant Classification Process June 2021. Collection method: clinical testing. Allele origin: germline. Affected: yes.
Comment: Not observed at significant frequency in large population cohorts (gnomAD); In silico analysis supports that this missense variant has a deleterious effect on protein structure/function; Has not been previously published as pathogenic or benign to our knowledge